The following is an entry in ClinVar:

ClinVar aggregate classification (germline): Uncertain significance (1 of 4 stars; one submission).

Submission:

CeGaT Center for Human Genetics Tuebingen
Classification: Uncertain significance. Last evaluated: 2024-01-01. Review status: criteria provided, single submitter. Criteria: CeGaT Center For Human Genetics Tuebingen Variant Classification Criteria Version 2. Collection method: clinical testing. Allele origin: germline. Affected: yes. Observed: 1 variant allele.
Comment: SOX11: PM2

NM_003108.4(SOX11):c.970_971inv (p.Pro324Gly)

Gene: SOX11 (SRY-box transcription factor 11; plus strand). Cytogenetic location: 2p25.2.
Variant type: Inversion.
Coding change: c.970_971inv on transcript NM_003108.4 (MANE Select).
Protein change: p.Pro324Gly; replaces proline 324 with glycine.
Molecular consequence: missense variant.
Genome position: GRCh38 VCF-style: chr2-5693691-CC-GG. GRCh37 (hg19) VCF-style: chr2-5833823-CC-GG.
Other names: short protein forms P324G.
Identifiers: ClinVar variation 3027384 (VCV003027384.22), ClinGen allele CA2740092673.